The following is an entry in ClinVar:

NM_015072.5(TTLL5):c.2215T>C (p.Leu739=)

Gene: TTLL5 (tubulin tyrosine ligase like 5; plus strand). Cytogenetic location: 14q24.3.
Variant type: single nucleotide variant.
Coding change: c.2215T>C on transcript NM_015072.5 (MANE Select); coding-DNA position 2215, T replaced by C.
Protein change: p.Leu739=; no amino-acid change (leucine 739 retained).
Molecular consequence: synonymous variant.
Genome position (GRCh38, 1-based): chr14:75,775,562, T>C. VCF-style: chr14-75775562-T-C. GRCh37 (hg19) VCF-style: chr14-76241905-T-C.
Other names: c.2215T>C (NM_015072.4).
Identifiers: ClinVar variation 1633033 (VCV001633033.9), dbSNP rs774690827, ClinGen allele CA7279644.

ClinVar aggregate classification (germline): Likely benign. Review status: criteria provided, multiple submitters, no conflicts (2 of 4 stars). 2 submissions from 2 submitters: Likely benign (2). Last evaluated 2025-09-04.

Conditions:
TTLL5-related disorder. Also called: TTLL5-related condition.

Allele frequency attached by ClinVar (database versions not stated): gnomAD 0.00002.
gnomAD v4.1: 13 of 1,614,038 alleles (0.00081%); highest among the groups gnomAD compares: Admixed American, 0.013%; no homozygotes.

Submissions (2):

PreventionGenetics, part of Exact Sciences
Classification: Likely benign for TTLL5-related condition. Last evaluated: 2025-09-04. Review status: criteria provided, single submitter. Criteria: ACMG Guidelines, 2015. Collection method: clinical testing. Allele origin: germline.
Comment: This variant is classified as likely benign based on ACMG/AMP sequence variant interpretation guidelines (Richards et al. 2015 PMID: 25741868, with internal and published modifications).

Labcorp Genetics (formerly Invitae), Labcorp
Classification: Likely benign. Last evaluated: 2024-01-18. Review status: criteria provided, single submitter. Criteria: Invitae Variant Classification Sherloc (09022015). Collection method: clinical testing. Allele origin: germline.